The following is an entry in ClinVar:

ClinVar aggregate classification (germline): Likely pathogenic (1 of 4 stars; one submission).

Conditions:
Familial cold autoinflammatory syndrome 2 (FCAS2). Identifiers: Orphanet 247868, MedGen C2673198, MONDO:0012724, OMIM 611762.

Submission:

Breda Genetics srl
Classification: Likely pathogenic for Familial cold autoinflammatory syndrome 2. Last evaluated: 2022-08-17. Review status: criteria provided, single submitter. Criteria: ACMG Guidelines, 2015. Collection method: clinical testing. Allele origin: germline. Inheritance: Autosomal dominant inheritance. Affected: yes. Observed: 1 variant allele, 1 heterozygote.
Comment: The variant c.957del (p.Thr320Argfs*8) in the NLRP12 gene creates a shift in the reading frame which is predicted to result in a premature stop codon 8 amino acids downstream, which is likely to result in a truncated protein or protein loss due to nonsense-mediated messenger decay (NMD). There is no information on frequency in gnomAD or 1000 Genomes Project. Another frameshift variant c.958_959insGCTTAATT (p.Thr320fs), which falls one nucleotide downstream the variant c.957del (p.Thr320Argfs*8), is reported as likely pathogenic in ClinVar (Variation ID: 1324811).

NM_144687.4(NLRP12):c.957del (p.Thr320fs)

Gene: NLRP12 (NLR family pyrin domain containing 12; minus strand). Cytogenetic location: 19q13.42.
Variant type: Deletion.
Coding change: c.957del on transcript NM_144687.4 (MANE Select); coding-DNA position 957, one base deleted (C; older notation c.957delC).
Protein change: p.Thr320fs; shifts the reading frame from threonine 320.
Molecular consequence: frameshift variant.
Genome position (GRCh38, 1-based): chr19:53,810,702, G deleted on the plus strand (C on the coding strand, the reverse complement: NLRP12 is on the minus strand); the first of 3 consecutive G bases (chr19:53,810,702-53,810,704); deleting any one gives the same sequence. VCF-style (leftmost placement, unchanged base first): chr19-53810701-TG-T. GRCh37 (hg19) VCF-style: chr19-54313955-TG-T.
Other names: dbSNP:rs1248333537; c.957del, p.Thr320fs (NM_001277126.2, NM_001277129.1); short protein forms T320fs.
Identifiers: ClinVar variation 1711851 (VCV001711851.1), dbSNP rs1248333537, ClinGen allele CA883505010.